The following is an entry in ClinVar:

NM_144643.4(SCLT1):c.1148T>C (p.Val383Ala)

Gene: SCLT1 (sodium channel and clathrin linker 1; minus strand). Cytogenetic location: 4q28.2.
Variant type: single nucleotide variant.
Coding change: c.1148T>C on transcript NM_144643.4 (MANE Select); coding-DNA position 1148, T replaced by C.
Protein change: p.Val383Ala; replaces valine 383 with alanine.
Molecular consequence: missense variant.
Genome position (GRCh38, 1-based): chr4:128,952,839, A>G on the plus strand (T>C on the coding strand, the complement: SCLT1 is on the minus strand). VCF-style: chr4-128952839-A-G. GRCh37 (hg19) VCF-style: chr4-129873994-A-G.
Other names: c.1148T>C, p.Val383Ala (NM_001410807.1); short protein forms V383A.
Identifiers: ClinVar variation 4984274 (VCV004984274.1).

ClinVar aggregate classification (germline): Uncertain significance (1 of 4 stars; one submission).

Conditions:
SCLT1-related disorder. Also called: SCLT1-related condition.

gnomAD v4.1: 8 of 1,482,216 alleles (0.00054%); highest among the groups gnomAD compares: Non-Finnish European, 0.00075%; no homozygotes.

Submission:

PreventionGenetics, part of Exact Sciences
Classification: Uncertain significance for SCLT1-related condition. Last evaluated: 2025-01-16. Review status: criteria provided, single submitter. Criteria: ACMG Guidelines, 2015. Collection method: clinical testing. Allele origin: germline.
Comment: The SCLT1 c.1148T>C variant is predicted to result in the amino acid substitution p.Val383Ala. To our knowledge, this variant has not been reported in the literature or in a large population database (gnomAD), indicating this variant is rare. At this time, the clinical significance of this variant is uncertain due to the absence of conclusive functional and genetic evidence.